The following is an entry in ClinVar:

NM_152393.4(KLHL40):c.1608-1G>C

Gene: KLHL40 (kelch like family member 40; plus strand). Cytogenetic location: 3p22.1.
Variant type: single nucleotide variant.
Coding change: c.1608-1G>C on transcript NM_152393.4 (MANE Select); the canonical splice acceptor site of the intron before coding-DNA position 1608, G replaced by C.
Molecular consequence: splice acceptor variant.
Genome position (GRCh38, 1-based): chr3:42,690,858, G>C. VCF-style: chr3-42690858-G-C. GRCh37 (hg19) VCF-style: chr3-42732350-G-C.
Identifiers: ClinVar variation 2703307 (VCV002703307.3), dbSNP rs2125846068, ClinGen allele CA352295089.

ClinVar aggregate classification (germline): Pathogenic (1 of 4 stars; one submission).

Conditions:
Nemaline myopathy 8 (NEM8). Also called: Nemaline myopathy 8, autosomal recessive. Identifiers: Orphanet 171430, MedGen C3809209, MONDO:0014138, OMIM 615348.

Submission:

Labcorp Genetics (formerly Invitae), Labcorp
Classification: Pathogenic for Nemaline myopathy 8. Last evaluated: 2023-12-14. Review status: criteria provided, single submitter. Criteria: Invitae Variant Classification Sherloc (09022015). Collection method: clinical testing. Allele origin: germline.
Comment: This sequence change affects an acceptor splice site in intron 4 of the KLHL40 gene. It is expected to disrupt RNA splicing. Variants that disrupt the donor or acceptor splice site typically lead to a loss of protein function (PMID: 16199547), and loss-of-function variants in KLHL40 are known to be pathogenic (PMID: 23746549). This variant is not present in population databases (gnomAD no frequency). Disruption of this splice site has been observed in individuals with clinical features of congenital myopathy (PMID: 23746549; Invitae). Algorithms developed to predict the effect of sequence changes on RNA splicing suggest that this variant may disrupt the consensus splice site. For these reasons, this variant has been classified as Pathogenic.

Literature cited by the submitters: PubMed 16199547; PubMed 23746549.